The following is an entry in ClinVar:

ClinVar aggregate classification (germline): Uncertain significance (1 of 4 stars; one submission).

Submission:

Mayo Clinic Laboratories, Mayo Clinic
Classification: Uncertain significance. Last evaluated: 2025-04-30. Review status: criteria provided, single submitter. Criteria: ACMG Guidelines, 2015. Collection method: clinical testing. Allele origin: germline. Observed: 1 variant allele.
Comment: BP4, PM2_supporting

NM_138694.4(PKHD1):c.11022C>A (p.Ser3674Arg)

Gene: PKHD1 (PKHD1 ciliary IPT domain containing fibrocystin/polyductin; minus strand). Cytogenetic location: 6p12.3.
Variant type: single nucleotide variant.
Coding change: c.11022C>A on transcript NM_138694.4 (MANE Select); coding-DNA position 11022, C replaced by A.
Protein change: p.Ser3674Arg; replaces serine 3674 with arginine.
Molecular consequence: missense variant.
Genome position (GRCh38, 1-based): chr6:51,659,104, G>T on the plus strand (C>A on the coding strand, the complement: PKHD1 is on the minus strand). VCF-style: chr6-51659104-G-T. GRCh37 (hg19) VCF-style: chr6-51523902-G-T.
Other names: p.Ser3674Arg; short protein forms S3674R.
Identifiers: ClinVar variation 4541167 (VCV004541167.1).